The following is an entry in ClinVar:

NM_170707.4(LMNA):c.613G>A (p.Asp205Asn)

Gene: LMNA (lamin A/C; plus strand). Cytogenetic location: 1q22.
Variant type: single nucleotide variant.
Coding change: c.613G>A on transcript NM_170707.4 (MANE Select); coding-DNA position 613, G replaced by A.
Protein change: p.Asp205Asn; replaces aspartic acid 205 with asparagine.
Molecular consequence: missense variant. On other transcripts: 5 prime UTR variant (4).
Genome position (GRCh38, 1-based): chr1:156,134,502, G>A. VCF-style: chr1-156134502-G-A. GRCh37 (hg19) VCF-style: chr1-156104293-G-A.
Other names: c.277G>A, p.Asp93Asn (NM_001257374.3, NM_001406989.1, NM_001406998.1); c.370G>A, p.Asp124Asn (NM_001282624.2, NM_001406986.1, NM_001406987.1); c.613G>A, p.Asp205Asn (NM_001282625.2, NM_001282626.2, NM_001406983.1 and 6 more transcripts); c.316G>A, p.Asp106Asn (NM_001406988.1); c.55G>A, p.Asp19Asn (NM_001406990.1, NM_001406993.1, NM_001406995.1 and 4 more transcripts); c.-52G>A (NM_001406994.1, NM_001406999.1, NM_001407000.1 and 1 more transcripts); short protein forms D19N, D205N, D93N, D106N, D124N.
Identifiers: ClinVar variation 3538714 (VCV003538714.1).

ClinVar aggregate classification (germline): Uncertain significance (1 of 4 stars; one submission).

Conditions:
Cardiovascular phenotype. Identifiers: MedGen CN230736.

Submission:

Ambry Genetics
Classification: Uncertain significance for Cardiovascular phenotype. Last evaluated: 2024-07-10. Review status: criteria provided, single submitter. Criteria: Ambry Variant Classification Scheme 2023. Collection method: clinical testing. Allele origin: germline.
Comment: The p.D205N variant (also known as c.613G>A), located in coding exon 3 of the LMNA gene, results from a G to A substitution at nucleotide position 613. The aspartic acid at codon 205 is replaced by asparagine, an amino acid with highly similar properties. This amino acid position is not well conserved in available vertebrate species. In addition, this alteration is predicted to be tolerated by in silico analysis. Based on the available evidence, the clinical significance of this variant remains unclear.